The following is an entry in ClinVar:

ClinVar aggregate classification (germline): Uncertain significance (1 of 4 stars; one submission).

Conditions:
Hereditary cancer-predisposing syndrome. Also called: Neoplastic Syndromes, Hereditary; Tumor predisposition; Hereditary neoplastic syndrome; Hereditary Cancer Syndrome. Identifiers: Orphanet 140162, MedGen C0027672, MeSH D009386, MONDO:0015356.

Submission:

Ambry Genetics
Classification: Uncertain significance for Hereditary cancer-predisposing syndrome. Last evaluated: 2026-07-07. Review status: criteria provided, single submitter. Criteria: Ambry Variant Classification Scheme 2023. Collection method: clinical testing. Allele origin: germline.
Comment: The p.H931L variant (also known as c.2792A>T), located in coding exon 15 of the APC gene, results from an A to T substitution at nucleotide position 2792. The histidine at codon 931 is replaced by leucine, an amino acid with similar properties. This amino acid position is conserved. In addition, in silico predictors for this gene do not accurately predict pathogenicity. Based on the available evidence, the clinical significance of this variant remains unclear.

NM_000038.6(APC):c.2792A>T (p.His931Leu)

Gene: APC (APC regulator of Wnt signaling pathway; plus strand). Cytogenetic location: 5q22.2.
Variant type: single nucleotide variant.
Coding change: c.2792A>T on transcript NM_000038.6 (MANE Select); coding-DNA position 2792, A replaced by T.
Protein change: p.His931Leu; replaces histidine 931 with leucine.
Molecular consequence: missense variant. On other transcripts: non-coding transcript variant (2).
Genome position (GRCh38, 1-based): chr5:112,838,386, A>T. VCF-style: chr5-112838386-A-T. GRCh37 (hg19) VCF-style: chr5-112174083-A-T.
Other names: c.2846A>T, p.His949Leu (NM_001407447.1, NM_001407448.1, NM_001407449.1 and 1 more transcripts); c.2792A>T, p.His931Leu (NM_001407450.1, NM_001127510.3, NM_001354895.2); c.2771A>T, p.His924Leu (NM_001407451.1); c.2762A>T, p.His921Leu (NM_001407452.1); c.2615A>T, p.His872Leu (NM_001407453.1, NM_001354901.2); c.2543A>T, p.His848Leu (NM_001407454.1, NM_001407455.1, NM_001407456.1 and 1 more transcripts); c.2738A>T, p.His913Leu (NM_001127511.3); c.2822A>T, p.His941Leu (NM_001354897.2); and 11 more; short protein forms H547L, H840L, H872L, H941L, H648L, H771L, H805L, H890L.
Identifiers: ClinVar variation 5025103 (VCV005025103.1).
Genomic context (GRCh38, chr5:112,838,386, plus strand): 5'-AATTACATTGTGTGACAGATGAGAGAAATGCACTTAGAAGAAGCTCTGCTGCCCATACAC[A>T]TTCAAACACTTACAATTTCACTAAGTCGGAAAATTCAAATAGGACATGTTCTATGCCTTA-3'
Protein context (NP_000029.2, residues 921-941): ALRRSSAAHT[His931Leu]SNTYNFTKSE